The following is an entry in ClinVar:

NM_001370259.2(MEN1):c.332G>C (p.Gly111Ala)

Gene: MEN1 (menin 1; minus strand). Cytogenetic location: 11q13.1.
Variant type: single nucleotide variant.
Coding change: c.332G>C on transcript NM_001370259.2 (MANE Select); coding-DNA position 332, G replaced by C.
Protein change: p.Gly111Ala; replaces glycine 111 with alanine.
Molecular consequence: missense variant. On other transcripts: non-coding transcript variant (4).
Genome position (GRCh38, 1-based): chr11:64,809,778, C>G on the plus strand (G>C on the coding strand, the complement: MEN1 is on the minus strand). VCF-style: chr11-64809778-C-G. GRCh37 (hg19) VCF-style: chr11-64577250-C-G.
Other names: c.332G>C, p.Gly111Ala (NM_000244.4, NM_001370251.2, NM_001370260.2 and 20 more transcripts); short protein forms G111A.
Identifiers: ClinVar variation 4800431 (VCV004800431.1).

ClinVar aggregate classification (germline): Uncertain significance (1 of 4 stars; one submission).

Conditions:
Multiple endocrine neoplasia, type 1 (MEN1). Also called: MEA I; MEN I; WERMER SYNDROME; Endocrine adenomatosis multiple; MEN 1. Identifiers: Orphanet 652, MedGen C0025267, MeSH D018761, MONDO:0007540, OMIM 131100.

Submission:

Labcorp Genetics (formerly Invitae), Labcorp
Classification: Uncertain significance for Multiple endocrine neoplasia, type 1. Last evaluated: 2025-04-07. Review status: criteria provided, single submitter. Criteria: Invitae Variant Classification Sherloc (09022015). Collection method: clinical testing. Allele origin: germline.
Comment: This sequence change replaces glycine, which is neutral and non-polar, with alanine, which is neutral and non-polar, at codon 111 of the MEN1 protein (p.Gly111Ala). This variant is not present in population databases (gnomAD no frequency). This variant has not been reported in the literature in individuals affected with MEN1-related conditions. Invitae Evidence Modeling of protein sequence and biophysical properties (such as structural, functional, and spatial information, amino acid conservation, physicochemical variation, residue mobility, and thermodynamic stability) has been performed for this missense variant. However, the output from this modeling did not meet the statistical confidence thresholds required to predict the impact of this variant on MEN1 protein function. In summary, the available evidence is currently insufficient to determine the role of this variant in disease. Therefore, it has been classified as a Variant of Uncertain Significance.